The following is an entry in ClinVar:

ClinVar aggregate classification (germline): Conflicting classifications of pathogenicity. Review status: criteria provided, conflicting classifications (1 of 4 stars). 2 submissions from 2 submitters: Uncertain significance (1); Likely benign (1). Last evaluated 2022-10-12.

Conditions:
Inborn genetic diseases. Identifiers: MedGen C0950123, MeSH D030342.

Submissions (2):

Ambry Genetics
Classification: Likely benign for Inborn genetic diseases. Last evaluated: 2022-10-12. Review status: criteria provided, single submitter. Criteria: Ambry Variant Classification Scheme 2023. Collection method: clinical testing. Allele origin: germline.

Labcorp Genetics (formerly Invitae), Labcorp
Classification: Uncertain significance. Last evaluated: 2022-09-09. Review status: criteria provided, single submitter. Criteria: Invitae Variant Classification Sherloc (09022015). Collection method: clinical testing. Allele origin: germline.
Comment: Algorithms developed to predict the effect of missense changes on protein structure and function output the following: SIFT: "Tolerated"; PolyPhen-2: "Benign"; Align-GVGD: "Class C0". The valine amino acid residue is found in multiple mammalian species, which suggests that this missense change does not adversely affect protein function. This variant has not been reported in the literature in individuals affected with NLRP1-related conditions. This variant is not present in population databases (gnomAD no frequency). This sequence change replaces isoleucine, which is neutral and non-polar, with valine, which is neutral and non-polar, at codon 329 of the NLRP1 protein (p.Ile329Val). In summary, the available evidence is currently insufficient to determine the role of this variant in disease. Therefore, it has been classified as a Variant of Uncertain Significance.

NM_033004.4(NLRP1):c.985A>G (p.Ile329Val)

Gene: NLRP1 (NLR family pyrin domain containing 1; minus strand). Cytogenetic location: 17p13.2.
Variant type: single nucleotide variant.
Coding change: c.985A>G on transcript NM_033004.4 (MANE Select); coding-DNA position 985, A replaced by G.
Protein change: p.Ile329Val; replaces isoleucine 329 with valine.
Molecular consequence: missense variant.
Genome position (GRCh38, 1-based): chr17:5,559,711, T>C on the plus strand (A>G on the coding strand, the complement: NLRP1 is on the minus strand). VCF-style: chr17-5559711-T-C. GRCh37 (hg19) VCF-style: chr17-5463031-T-C.
Other names: c.985A>G, p.Ile329Val (NM_001033053.3, NM_014922.5, NM_033006.4 and 1 more transcripts); short protein forms I329V.
Identifiers: ClinVar variation 2132099 (VCV002132099.5), dbSNP rs2151803221, ClinGen allele CA397387389.